The following is an entry in ClinVar:

ClinVar aggregate classification (germline): Pathogenic (1 of 4 stars; one submission).

Submission:

Labcorp Genetics (formerly Invitae), Labcorp
Classification: Pathogenic. Last evaluated: 2024-11-08. Review status: criteria provided, single submitter. Criteria: Invitae Variant Classification Sherloc (09022015). Collection method: clinical testing. Allele origin: germline.
Comment: This sequence change creates a premature translational stop signal (p.Trp392Metfs*139) in the CARMIL2 gene. It is expected to result in an absent or disrupted protein product. Loss-of-function variants in CARMIL2 are known to be pathogenic (PMID: 27647349, 28112205). This variant is present in population databases (rs756447715, gnomAD 0.01%). This variant has not been reported in the literature in individuals affected with CARMIL2-related conditions. For these reasons, this variant has been classified as Pathogenic.

Literature cited by the submitters: PubMed 27647349; PubMed 28112205.

NM_001013838.3(CARMIL2):c.1172dup (p.Trp392fs)

Gene: CARMIL2 (capping protein regulator and myosin 1 linker 2; plus strand). Cytogenetic location: 16q22.1.
Variant type: Duplication.
Coding change: c.1172dup on transcript NM_001013838.3 (MANE Select); coding-DNA position 1172, one base duplicated (G; older notation c.1172dupG).
Protein change: p.Trp392fs; shifts the reading frame from tryptophan 392.
Molecular consequence: frameshift variant. On other transcripts: intron variant (1).
Genome position (GRCh38, 1-based): chr16:67,648,152, G duplicated; the last of 6 consecutive G bases (chr16:67,648,147-67,648,152); duplicating any one gives the same sequence. VCF-style (leftmost placement, unchanged base first): chr16-67648146-T-TG. GRCh37 (hg19) VCF-style: chr16-67682049-T-TG.
Other names: c.1149+23dup (NM_001317026.3); short protein forms W392fs.
Identifiers: ClinVar variation 3623144 (VCV003623144.2).